The following is an entry in ClinVar:

ClinVar aggregate classification (germline): Likely benign. Review status: criteria provided, single submitter (1 of 4 stars). 2 submissions from 2 submitters: Likely benign (1). 1 of the submissions does not count toward it. Last evaluated 2025-12-22.

Conditions:
KMT2D-related disorder. Also called: KMT2D-Related Disorders.
Kabuki syndrome. Also called: Kabuki make-up syndrome; NIIKAWA-KUROKI SYNDROME. Identifiers: Orphanet 2322, MedGen C0796004, MONDO:0016512.

Allele frequency attached by ClinVar (database versions not stated): gnomAD exomes 0.00001; TOPMed 0.00001; gnomAD 0.00002.
gnomAD v4.1: 11 of 1,546,078 alleles (0.00071%); highest among the groups gnomAD compares: Admixed American, 0.021%; no homozygotes.

Submissions (2):

Labcorp Genetics (formerly Invitae), Labcorp
Classification: Likely benign for Kabuki syndrome. Last evaluated: 2025-12-22. Review status: criteria provided, single submitter. Criteria: Invitae Variant Classification Sherloc (09022015). Collection method: clinical testing. Allele origin: germline.

PreventionGenetics, part of Exact Sciences
Classification: Likely benign for KMT2D-related condition. Last evaluated: 2023-11-27. Review status: no assertion criteria provided. Collection method: clinical testing. Allele origin: germline. Not counted in ClinVar's aggregate classification.
Comment: This variant is classified as likely benign based on ACMG/AMP sequence variant interpretation guidelines (Richards et al. 2015 PMID: 25741868, with internal and published modifications).

NM_003482.4(KMT2D):c.1318C>T (p.Leu440=)

Gene: KMT2D (lysine methyltransferase 2D; minus strand). Cytogenetic location: 12q13.12.
Variant type: single nucleotide variant.
Coding change: c.1318C>T on transcript NM_003482.4 (MANE Select); coding-DNA position 1318, C replaced by T.
Protein change: p.Leu440=; no amino-acid change (leucine 440 retained).
Molecular consequence: synonymous variant.
Genome position (GRCh38, 1-based): chr12:49,052,365, G>A on the plus strand (C>T on the coding strand, the complement: KMT2D is on the minus strand). VCF-style: chr12-49052365-G-A. GRCh37 (hg19) VCF-style: chr12-49446148-G-A.
Other names: c.1318C>T (NM_003482.3).
Identifiers: ClinVar variation 1590555 (VCV001590555.11), dbSNP rs1474324864, ClinGen allele CA479715117.